The following is an entry in ClinVar:

NM_005994.4(TBX2):c.1090C>T (p.Pro364Ser)

Gene: TBX2 (T-box transcription factor 2; plus strand). Cytogenetic location: 17q23.2.
Variant type: single nucleotide variant.
Coding change: c.1090C>T on transcript NM_005994.4 (MANE Select); coding-DNA position 1090, C replaced by T.
Protein change: p.Pro364Ser; replaces proline 364 with serine.
Molecular consequence: missense variant.
Genome position (GRCh38, 1-based): chr17:61,405,240, C>T. VCF-style: chr17-61405240-C-T. GRCh37 (hg19) VCF-style: chr17-59482601-C-T.
Other names: short protein forms P364S.
Identifiers: ClinVar variation 2631595 (VCV002631595.1), dbSNP rs1603241575, ClinGen allele CA400473485.

ClinVar aggregate classification (germline): Likely pathogenic (1 of 4 stars; one submission).

Conditions:
TBX2-related disorder. Also called: TBX2-related condition.

Submission:

PreventionGenetics, part of Exact Sciences
Classification: Likely pathogenic for TBX2-related condition. Last evaluated: 2023-09-15. Review status: criteria provided, single submitter. Criteria: ACMG Guidelines, 2015. Collection method: clinical testing. Allele origin: germline.
Comment: The TBX2 c.1090C>T variant is predicted to result in the amino acid substitution p.Pro364Ser. To our knowledge, this variant has not been reported in the literature or in a large population database, indicating this variant is rare. This variant is interpreted as likely pathogenic.